The following is an entry in ClinVar:

NM_001845.6(COL4A1):c.4481T>A (p.Leu1494Gln)

Gene: COL4A1 (collagen type IV alpha 1 chain; minus strand). Cytogenetic location: 13q34.
Variant type: single nucleotide variant.
Coding change: c.4481T>A on transcript NM_001845.6 (MANE Select); coding-DNA position 4481, T replaced by A.
Protein change: p.Leu1494Gln; replaces leucine 1494 with glutamine.
Molecular consequence: missense variant.
Genome position (GRCh38, 1-based): chr13:110,161,351, A>T on the plus strand (T>A on the coding strand, the complement: COL4A1 is on the minus strand). VCF-style: chr13-110161351-A-T. GRCh37 (hg19) VCF-style: chr13-110813698-A-T.
Other names: short protein forms L1494Q.
Identifiers: ClinVar variation 2093930 (VCV002093930.5), dbSNP rs1877077359, ClinGen allele CA388657616.
Genomic context (GRCh38, chr13:110,161,351, plus strand): 5'-GCAAAGTTGCACACGTTGTTAATATTGCAGAACAGGAAGGGCATTGTGCTGAACTTGCGC[A>T]GGCAGCTGCCGGCCGTGCCTAGACAAGGAAGAAGACAATGTGAGATGTTTCCTTTATAAT-3'
Protein context (NP_001836.3, residues 1484-1504): GQDLGTAGSC[Leu1494Gln]RKFSTMPFLF

ClinVar aggregate classification (germline): Uncertain significance. Review status: criteria provided, multiple submitters, no conflicts (2 of 4 stars). 2 submissions from 2 submitters: Uncertain significance (2). Last evaluated 2024-07-17.

Conditions:
Brain small vessel disease 1 with or without ocular anomalies (BSVD1). Also called: BRAIN SMALL VESSEL DISEASE WITH HEMORRHAGE; PORENCEPHALY, TYPE 1, AUTOSOMAL DOMINANT; GOULD SYNDROME 1; Brain small vessel disease with or without ocular anomalies. Identifiers: Orphanet 2940, Orphanet 36383, Orphanet 99810, MedGen C4755307, MONDO:0008289, OMIM 175780.
Hemorrhage, intracerebral, susceptibility to (ICH). Also called: Stroke, hemorrhagic, susceptibility to. Identifiers: MedGen C3281105, MONDO:0100533, OMIM 614519.
Autosomal dominant familial hematuria-retinal arteriolar tortuosity-contractures syndrome. Also called: Angiopathy, hereditary, with nephropathy, aneurysms, and muscle cramps; Hereditary Angiopathy with Nephropathy, Aneurysms, and Muscle Cramps (HANAC) Syndrome. Identifiers: Orphanet 73229, MedGen C2673195, MONDO:0012726, OMIM 611773.
Microangiopathy and leukoencephalopathy, pontine, autosomal dominant. Also called: DEMENTIA, HEREDITARY MULTI-INFARCT, SWEDISH TYPE; Pontine autosomal dominant microangiopathy with leukoencephalopathy. Identifiers: Orphanet 477749, MedGen C5231411, MONDO:0032814, OMIM 618564.
Retinal arterial tortuosity. Also called: Retinal arteries, tortuosity of; RETINAL HEMORRHAGE WITH VASCULAR TORTUOSITY. Identifiers: Orphanet 75326, MedGen C0423401, MONDO:0008373, OMIM 180000, HP:0000631.

Allele frequency attached by ClinVar (database versions not stated): gnomAD exomes 0.00001.
gnomAD v4.1: 14 of 1,613,438 alleles (0.00087%); highest among the groups gnomAD compares: Non-Finnish European, 0.0012%; no homozygotes.

Submissions (2):

Labcorp Genetics (formerly Invitae), Labcorp
Classification: Uncertain significance. Last evaluated: 2024-07-17. Review status: criteria provided, single submitter. Criteria: Invitae Variant Classification Sherloc (09022015). Collection method: clinical testing. Allele origin: germline.
Comment: This sequence change replaces leucine, which is neutral and non-polar, with glutamine, which is neutral and polar, at codon 1494 of the COL4A1 protein (p.Leu1494Gln). This variant is not present in population databases (gnomAD no frequency). This variant has not been reported in the literature in individuals affected with COL4A1-related conditions. ClinVar contains an entry for this variant (Variation ID: 2093930). Experimental studies and prediction algorithms are not available or were not evaluated, and the functional significance of this variant is currently unknown. In summary, the available evidence is currently insufficient to determine the role of this variant in disease. Therefore, it has been classified as a Variant of Uncertain Significance.

Fulgent Genetics
Classification: Uncertain significance for Brain small vessel disease 1 with or without ocular anomalies; Retinal arterial tortuosity; Autosomal dominant familial hematuria-retinal arteriolar tortuosity-contractures syndrome; Hemorrhage, intracerebral, susceptibility to; Microangiopathy and leukoencephalopathy, pontine, autosomal dominant. Last evaluated: 2024-03-29. Review status: criteria provided, single submitter. Criteria: ACMG Guidelines, 2015. Collection method: clinical testing. Allele origin: germline.